The following is an entry in ClinVar:

ClinVar aggregate classification (germline): Pathogenic (1 of 4 stars; one submission).

Conditions:
Ataxia-telangiectasia-like disorder (ATLD). Identifiers: MedGen C1858391, MONDO:0011457.

Submission:

Labcorp Genetics (formerly Invitae), Labcorp
Classification: Pathogenic for Ataxia-telangiectasia-like disorder. Last evaluated: 2018-06-30. Review status: criteria provided, single submitter. Criteria: Invitae Variant Classification Sherloc (09022015). Collection method: clinical testing. Allele origin: germline.
Comment: This variant has not been reported in the literature in individuals with MRE11-related disease. This variant is an out-of-frame deletion of the genomic region encompassing exons 17-18 of the MRE11 gene. This is expected to create a premature translational stop signal and result in an absent or disrupted protein product. For these reasons, this variant has been classified as Pathogenic. Loss-of-function variants in MRE11 are known to be pathogenic (PMID: 23080121, 23912341).

Literature cited by the submitters: PubMed 23080121; PubMed 23912341.

NC_000011.9:g.(?_94168988)_(94170411_?)del

Gene: MRE11 (MRE11 homolog, double strand break repair nuclease; minus strand). Cytogenetic location: 11q21.
Variant type: Deletion.
Identifiers: ClinVar variation 1076040 (VCV001076040.5).